The following is an entry in ClinVar:

NM_001378457.1(DMXL2):c.5609A>G (p.Glu1870Gly)

Gene: DMXL2 (Dmx like 2; minus strand). Cytogenetic location: 15q21.2.
Variant type: single nucleotide variant.
Coding change: c.5609A>G on transcript NM_001378457.1 (MANE Select); coding-DNA position 5609, A replaced by G.
Protein change: p.Glu1870Gly; replaces glutamic acid 1870 with glycine.
Molecular consequence: missense variant. On other transcripts: non-coding transcript variant (2).
Genome position (GRCh38, 1-based): chr15:51,481,497, T>C on the plus strand (A>G on the coding strand, the complement: DMXL2 is on the minus strand). VCF-style: chr15-51481497-T-C. GRCh37 (hg19) VCF-style: chr15-51773694-T-C.
Other names: c.5609A>G, p.Glu1870Gly (NM_001174116.3, NM_001378458.1, NM_001378459.1 and 4 more transcripts); c.3701A>G, p.Glu1234Gly (NM_001174117.3); c.3590A>G, p.Glu1197Gly (NM_001378460.1); c.5369A>G, p.Glu1790Gly (NM_001378464.1); short protein forms E1790G, E1870G, E1197G, E1234G.
Identifiers: ClinVar variation 2104412 (VCV002104412.2), dbSNP rs2042006342, ClinGen allele CA392445469.

ClinVar aggregate classification (germline): Uncertain significance (1 of 4 stars; one submission).

Allele frequency attached by ClinVar (database versions not stated): TOPMed below 0.00001.

Submission:

Labcorp Genetics (formerly Invitae), Labcorp
Classification: Uncertain significance. Last evaluated: 2022-09-07. Review status: criteria provided, single submitter. Criteria: Invitae Variant Classification Sherloc (09022015). Collection method: clinical testing. Allele origin: germline.
Comment: This sequence change replaces glutamic acid, which is acidic and polar, with glycine, which is neutral and non-polar, at codon 1870 of the DMXL2 protein (p.Glu1870Gly). In summary, the available evidence is currently insufficient to determine the role of this variant in disease. Therefore, it has been classified as a Variant of Uncertain Significance. Algorithms developed to predict the effect of missense changes on protein structure and function (SIFT, PolyPhen-2, Align-GVGD) all suggest that this variant is likely to be tolerated. This variant has not been reported in the literature in individuals affected with DMXL2-related conditions. This variant is not present in population databases (gnomAD no frequency).